The following is an entry in ClinVar:

NM_005751.5(AKAP9):c.11578G>T (p.Gly3860Cys)

Gene: AKAP9 (A-kinase anchoring protein 9; plus strand). Cytogenetic location: 7q21.2.
Variant type: single nucleotide variant.
Coding change: c.11578G>T on transcript NM_005751.5 (MANE Select); coding-DNA position 11578, G replaced by T.
Protein change: p.Gly3860Cys; replaces glycine 3860 with cysteine.
Molecular consequence: missense variant.
Genome position (GRCh38, 1-based): chr7:92,108,525, G>T. VCF-style: chr7-92108525-G-T. GRCh37 (hg19) VCF-style: chr7-91737839-G-T.
Other names: c.6223G>T, p.Gly2075Cys (NM_001379277.1); c.11554G>T, p.Gly3852Cys (NM_147185.3); short protein forms G2075C, G3852C, G3860C.
Identifiers: ClinVar variation 1015738 (VCV001015738.9), dbSNP rs752923990, ClinGen allele CA4338233.

ClinVar aggregate classification (germline): Uncertain significance (1 of 4 stars; one submission).

Conditions:
Long QT syndrome (LQTS). Identifiers: MedGen C0023976, MeSH D008133, MONDO:0002442. Disease mechanism: loss of function. Inheritance: Various modes of inheritance.

Allele frequency attached by ClinVar (database versions not stated): ExAC 0.00001; gnomAD exomes 0.00001 and 0.00003; TOPMed 0.00002; gnomAD 0.00003.
gnomAD v4.1: 44 of 1,613,894 alleles (0.0027%); highest among the groups gnomAD compares: Non-Finnish European, 0.0036%; no homozygotes.

Submissions (2):

Labcorp Genetics (formerly Invitae), Labcorp
Classification: Uncertain significance for Long QT syndrome. Last evaluated: 2025-11-03. Review status: criteria provided, single submitter. Criteria: Invitae Variant Classification Sherloc (09022015). Collection method: clinical testing. Allele origin: germline.
Comment: This sequence change replaces glycine, which is neutral and non-polar, with cysteine, which is neutral and slightly polar, at codon 3860 of the AKAP9 protein (p.Gly3860Cys). This variant is present in population databases (rs752923990, gnomAD 0.004%). This variant has not been reported in the literature in individuals affected with AKAP9-related conditions. ClinVar contains an entry for this variant (Variation ID: 1015738). An algorithm developed to predict the effect of missense changes on protein structure and function (PolyPhen-2) suggests that this variant is likely to be disruptive. Algorithms developed to predict the effect of sequence changes on RNA splicing suggest that this variant may disrupt the consensus splice site. In summary, the available evidence is currently insufficient to determine the role of this variant in disease. Therefore, it has been classified as a Variant of Uncertain Significance.

Dr. Peter K. Rogan Lab, Western University
No classification provided (evidence only). Condition: Malignant tumor of esophagus. Review status: no classification provided. Collection method: in vitro. Allele origin: not applicable. Functional consequence: retained intron. Not counted in ClinVar's aggregate classification.